The following is an entry in ClinVar:

ClinVar aggregate classification (germline): Conflicting classifications of pathogenicity. Review status: criteria provided, conflicting classifications (1 of 4 stars). 4 submissions from 4 submitters: Uncertain significance (3); Likely benign (1). Last evaluated 2026-05-12.

Conditions:
Hereditary cancer-predisposing syndrome. Also called: Tumor predisposition; Hereditary Cancer Syndrome; Neoplastic Syndromes, Hereditary; Hereditary neoplastic syndrome. Identifiers: Orphanet 140162, MedGen C0027672, MeSH D009386, MONDO:0015356.

Allele frequency attached by ClinVar (database versions not stated): gnomAD exomes below 0.00001; ExAC 0.00001.
gnomAD v4.1: 1 of 1,613,914 alleles (0.000062%); highest among the groups gnomAD compares: Admixed American, 0.0017%; no homozygotes.

Submissions (4):

Ambry Genetics
Classification: Uncertain significance for Hereditary cancer-predisposing syndrome. Last evaluated: 2026-05-12. Review status: criteria provided, single submitter. Criteria: Ambry Variant Classification Scheme 2023. Collection method: clinical testing. Allele origin: germline.
Comment: The p.A2231P variant (also known as c.6691G>C), located in coding exon 10 of the BRCA2 gene, results from a G to C substitution at nucleotide position 6691. The alanine at codon 2231 is replaced by proline, an amino acid with highly similar properties. This amino acid position is well conserved in available vertebrate species. In addition, this alteration is predicted to be deleterious by in silico analysis. Based on the available evidence, the clinical significance of this variant remains unclear.

Quest Diagnostics Nichols Institute San Juan Capistrano
Classification: Uncertain significance. Last evaluated: 2024-09-04. Review status: criteria provided, single submitter. Criteria: Quest Diagnostics criteria. Collection method: clinical testing. Allele origin: unknown.
Comment: The BRCA2 c.6691G>C (p.Ala2231Pro) variant has been reported in the published literature to be located in a region of the BRCA2 gene that is tolerant to missense sequence changes (PMID: 31911673 (2020)). To the best of our knowledge, this variant has not been reported in individuals with BRCA2-related disorders. The frequency of this variant in the general population, 0.000004 (1/251238 chromosomes (Genome Aggregation Database)), is uninformative in the assessment of its pathogenicity. Analysis of this variant using bioinformatics tools (i.e., MutationTaster and PolyPhen-2) for the prediction of the effect of amino acid changes on protein structure and function yielded conflicting predictions that this variant is benign or damaging. Based on the available information, we are unable to determine the clinical significance of this variant.

University of Washington Department of Laboratory Medicine, University of Washington
Classification: Likely benign for Hereditary cancer-predisposing syndrome. Last evaluated: 2023-03-23. Review status: criteria provided, single submitter. Criteria: Dines et al. (Genet Med. 2020). Collection method: curation. Allele origin: germline.
Comment: Missense variant in a coldspot region where missense variants are very unlikely to be pathogenic (PMID:31911673).

BRCA2 exon 11 coldspot. Reclassification based on statistical prior probability.

Color Diagnostics, LLC DBA Color Health
Classification: Uncertain significance for Hereditary cancer-predisposing syndrome. Last evaluated: 2019-06-27. Review status: criteria provided, single submitter. Criteria: ACMG Guidelines, 2015. Collection method: clinical testing. Allele origin: germline.

Literature cited by the submitters: PubMed 31911673 (cited by Quest Diagnostics Nichols Institute San Juan Capistrano); PubMed 30630528 (cited by Quest Diagnostics Nichols Institute San Juan Capistrano).

NM_000059.4(BRCA2):c.6691G>C (p.Ala2231Pro)

Gene: BRCA2 (BRCA2 DNA repair associated; plus strand). Cytogenetic location: 13q13.1.
Variant type: single nucleotide variant.
Coding change: c.6691G>C on transcript NM_000059.4 (MANE Select); coding-DNA position 6691, G replaced by C.
Protein change: p.Ala2231Pro; replaces alanine 2231 with proline.
Molecular consequence: missense variant.
Genome position (GRCh38, 1-based): chr13:32,341,046, G>C. VCF-style: chr13-32341046-G-C. GRCh37 (hg19) VCF-style: chr13-32915183-G-C.
Other names: short protein forms A2231P.
Identifiers: ClinVar variation 628310 (VCV000628310.7), dbSNP rs758379999, ClinGen allele CA6940974.